The following is an entry in ClinVar:

NM_001142459.2(ASB10):c.143C>G (p.Thr48Ser)

Gene: ASB10 (ankyrin repeat and SOCS box containing 10; minus strand). Cytogenetic location: 7q36.1.
Variant type: single nucleotide variant.
Coding change: c.143C>G on transcript NM_001142459.2 (MANE Select); coding-DNA position 143, C replaced by G.
Protein change: p.Thr48Ser; replaces threonine 48 with serine.
Molecular consequence: missense variant. On other transcripts: intron variant (1).
Genome position (GRCh38, 1-based): chr7:151,186,988, G>C on the plus strand (C>G on the coding strand, the complement: ASB10 is on the minus strand). VCF-style: chr7-151186988-G-C. GRCh37 (hg19) VCF-style: chr7-150884075-G-C.
Other names: c.143C>G, p.Thr48Ser (NM_001142460.1); c.272-329C>G (NM_080871.4); short protein forms T48S.
Identifiers: ClinVar variation 99971 (VCV000099971.5), dbSNP rs151344615, ClinGen allele CA150520.

ClinVar aggregate classification (germline): Uncertain significance. Review status: criteria provided, single submitter (1 of 4 stars). 2 submissions from 2 submitters: Uncertain significance (1). 1 of the submissions does not count toward it. Last evaluated 2024-11-11.

Conditions:
Glaucoma 1, open angle, F (GLC1F). Identifiers: MedGen C1863926, OMIM 603383, MONDO:0011311.

Allele frequency attached by ClinVar (database versions not stated): TOPMed 0.00005; gnomAD 0.00019 and 0.00022.
gnomAD v4.1: 158 of 1,611,950 alleles (0.0098%); highest among the groups gnomAD compares: Non-Finnish European, 0.012%; no homozygotes.

Submissions (2):

Labcorp Genetics (formerly Invitae), Labcorp
Classification: Uncertain significance. Last evaluated: 2024-11-11. Review status: criteria provided, single submitter. Criteria: Invitae Variant Classification Sherloc (09022015). Collection method: clinical testing. Allele origin: germline.
Comment: This sequence change replaces threonine, which is neutral and polar, with serine, which is neutral and polar, at codon 48 of the ASB10 protein (p.Thr48Ser). This variant is present in population databases (rs151344615, gnomAD 0.05%), and has an allele count higher than expected for a pathogenic variant. This missense change has been observed in individual(s) with glaucoma (PMID: 22156576). ClinVar contains an entry for this variant (Variation ID: 99971). An algorithm developed to predict the effect of missense changes on protein structure and function (PolyPhen-2) suggests that this variant is likely to be tolerated. In summary, the available evidence is currently insufficient to determine the role of this variant in disease. Therefore, it has been classified as a Variant of Uncertain Significance.

Casey Eye Institute Glaucoma Genetics Lab 
No classification provided. Condition: Glaucoma 1, open angle, F. Review status: no classification provided. Collection method: not provided. Allele origin: not provided. Not counted in ClinVar's aggregate classification.

Literature cited by the submitters: PubMed 22156576 (cited by Labcorp Genetics (formerly Invitae), Labcorp).